The following is an entry in ClinVar:

NM_004176.5(SREBF1):c.1959G>C (p.Gln653His)

Gene: SREBF1 (sterol regulatory element binding transcription factor 1; minus strand). Cytogenetic location: 17p11.2.
Variant type: single nucleotide variant.
Coding change: c.1959G>C on transcript NM_004176.5 (MANE Select); coding-DNA position 1959, G replaced by C.
Protein change: p.Gln653His; replaces glutamine 653 with histidine.
Molecular consequence: missense variant. On other transcripts: non-coding transcript variant (4).
Genome position (GRCh38, 1-based): chr17:17,816,545, C>G on the plus strand (G>C on the coding strand, the complement: SREBF1 is on the minus strand). VCF-style: chr17-17816545-C-G. GRCh37 (hg19) VCF-style: chr17-17719859-C-G.
Other names: c.1578G>C, p.Gln526His (NM_001388393.1); c.1527G>C, p.Gln509His (NM_001388394.1); c.2049G>C, p.Gln683His (NM_001005291.3); c.1887G>C, p.Gln629His (NM_001321096.3); c.1959G>C, p.Gln653His (NM_001388385.1, NM_001388386.1); c.1998G>C, p.Gln666His (NM_001388387.1); c.1914G>C, p.Gln638His (NM_001388388.1); c.1953G>C, p.Gln651His (NM_001388389.1); and 3 more; short protein forms Q509H, Q526H, Q579H, Q629H, Q638H, Q644H, Q647H, Q651H.
Identifiers: ClinVar variation 3388480 (VCV003388480.14).

ClinVar aggregate classification (germline): Uncertain significance (1 of 4 stars; one submission).

gnomAD v4.1: 3 of 1,602,748 alleles (0.00019%); highest among the groups gnomAD compares: Non-Finnish European, 0.00026%; no homozygotes.

Submission:

CeGaT Center for Human Genetics Tuebingen
Classification: Uncertain significance. Last evaluated: 2024-11-01. Review status: criteria provided, single submitter. Criteria: CeGaT Center For Human Genetics Tuebingen Variant Classification Criteria Version 2. Collection method: clinical testing. Allele origin: germline. Affected: yes. Observed: 1 variant allele.
Comment: SREBF1: PM2:Supporting, BP4